The following is an entry in ClinVar:

NM_001267550.2(TTN):c.57996C>A (p.His19332Gln)

Genes: TTN-AS1 (TTN antisense RNA 1; plus strand), TTN (titin; minus strand). Cytogenetic location: 2q31.2.
Variant type: single nucleotide variant.
Coding change: c.57996C>A on transcript NM_001267550.2 (MANE Select); coding-DNA position 57996, C replaced by A.
Protein change: p.His19332Gln; replaces histidine 19332 with glutamine.
Molecular consequence: missense variant.
Genome position (GRCh38, 1-based): chr2:178,594,498, G>T on the plus strand (C>A on the coding strand, the complement: TTN is on the minus strand). VCF-style: chr2-178594498-G-T. GRCh37 (hg19) VCF-style: chr2-179459225-G-T.
Other names: c.53073C>A, p.His17691Gln (NM_001256850.1); c.30801C>A, p.His10267Gln (NM_003319.4); c.50292C>A, p.His16764Gln (NM_133378.4); c.31176C>A, p.His10392Gln (NM_133432.3); c.31377C>A, p.His10459Gln (NM_133437.4); short protein forms H10267Q, H10392Q, H10459Q, H16764Q, H17691Q, H19332Q.
Identifiers: ClinVar variation 2504209 (VCV002504209.1), dbSNP rs762362185, ClinGen allele CA1992950.
Genomic context (GRCh38, chr2:178,594,498, plus strand): 5'-ACCTTCTTTTAAGCCTTTAACAGTGTATTTTCTGCTAAGCAAGTTGTCATTTGTAACTTT[G>T]TGGAACTTCTCAGTCCCAATGAGCCGACTTTCTAGGACATAGTTAATAATTTCTGACCCA-3'
Protein context (NP_001254479.2, residues 19322-19342): ESRLIGTEKF[His19332Gln]KVTNDNLLSR

ClinVar aggregate classification (germline): Uncertain significance (1 of 4 stars; one submission).

Allele frequency attached by ClinVar (database versions not stated): TOPMed below 0.00001; ExAC 0.00001.
gnomAD v4.1: 1 of 1,613,252 alleles (0.000062%); highest among the groups gnomAD compares: Non-Finnish European, 0.000085%; no homozygotes.

Submission:

GeneDx
Classification: Uncertain significance. Last evaluated: 2022-12-05. Review status: criteria provided, single submitter. Criteria: GeneDx Variant Classification Process June 2021. Collection method: clinical testing. Allele origin: germline. Affected: yes.
Comment: Not observed at significant frequency in large population cohorts (gnomAD); Missense variant in a gene in which most reported pathogenic variants are truncating/loss of function; Has not been previously published as pathogenic or benign to our knowledge